The following is an entry in ClinVar:

NM_001130144.3(LTBP3):c.2925G>T (p.Lys975Asn)

Gene: LTBP3 (latent transforming growth factor beta binding protein 3; minus strand). Cytogenetic location: 11q13.1.
Variant type: single nucleotide variant.
Coding change: c.2925G>T on transcript NM_001130144.3 (MANE Select); coding-DNA position 2925, G replaced by T.
Protein change: p.Lys975Asn; replaces lysine 975 with asparagine.
Molecular consequence: missense variant.
Genome position (GRCh38, 1-based): chr11:65,540,923, C>A on the plus strand (G>T on the coding strand, the complement: LTBP3 is on the minus strand). VCF-style: chr11-65540923-C-A. GRCh37 (hg19) VCF-style: chr11-65308394-C-A.
Other names: c.2574G>T, p.Lys858Asn (NM_001164266.1); c.2925G>T, p.Lys975Asn (NM_021070.4); short protein forms K975N, K858N.
Identifiers: ClinVar variation 2447581 (VCV002447581.2), dbSNP rs2496128718, ClinGen allele CA381268071.

ClinVar aggregate classification (germline): Uncertain significance (1 of 4 stars; one submission).

Conditions:
Inborn genetic diseases. Identifiers: MedGen C0950123, MeSH D030342.

Submission:

Ambry Genetics
Classification: Uncertain significance for Inborn genetic diseases. Last evaluated: 2022-11-19. Review status: criteria provided, single submitter. Criteria: Ambry Variant Classification Scheme 2023. Collection method: clinical testing. Allele origin: germline.
Comment: The p.K975N variant (also known as c.2925G>T), located in coding exon 21 of the LTBP3 gene, results from a G to T substitution at nucleotide position 2925. The lysine at codon 975 is replaced by asparagine, an amino acid with similar properties. This amino acid position is conserved. In addition, this alteration is predicted to be tolerated by in silico analysis. Since supporting evidence is limited at this time, the clinical significance of this alteration remains unclear.